The following is an entry in ClinVar:

ClinVar aggregate classification (germline): Benign/Likely benign. Review status: criteria provided, multiple submitters, no conflicts (2 of 4 stars). 3 submissions from 3 submitters: Benign (1); Likely benign (2). Last evaluated 2024-08-09.

Conditions:
Hereditary cancer-predisposing syndrome. Also called: Tumor predisposition; Hereditary neoplastic syndrome; Hereditary Cancer Syndrome; Neoplastic Syndromes, Hereditary. Identifiers: Orphanet 140162, MedGen C0027672, MeSH D009386, MONDO:0015356.
Familial cancer of breast. Also called: hereditary breast carcinoma; Hereditary breast cancer; BREAST CANCER, FAMILIAL. Identifiers: Orphanet 227535, MedGen C0346153, MONDO:0016419, OMIM 114480. Disease mechanism: loss of function.

Submissions (3):

Myriad Genetics, Inc.
Classification: Benign for Familial cancer of breast. Last evaluated: 2024-08-09. Review status: criteria provided, single submitter. Criteria: Myriad Autosomal Dominant, Autosomal Recessive and X-Linked Classification Criteria (2023). Collection method: clinical testing. Allele origin: unknown.
Comment: This variant is considered benign. This variant is a silent/synonymous amino acid change and it is not expected to impact splicing.

Ambry Genetics
Classification: Likely benign for Hereditary cancer-predisposing syndrome. Last evaluated: 2021-02-19. Review status: criteria provided, single submitter. Criteria: Ambry Variant Classification Scheme 2023. Collection method: clinical testing. Allele origin: germline.

Color Diagnostics, LLC DBA Color Health
Classification: Likely benign for Hereditary cancer-predisposing syndrome. Last evaluated: 2021-02-12. Review status: criteria provided, single submitter. Criteria: ACMG Guidelines, 2015. Collection method: clinical testing. Allele origin: germline.

NM_032043.3(BRIP1):c.111C>T (p.Asn37=)

Gene: BRIP1 (BRCA1 interacting DNA helicase 1; minus strand). Cytogenetic location: 17q23.2.
Variant type: single nucleotide variant.
Coding change: c.111C>T on transcript NM_032043.3 (MANE Select); coding-DNA position 111, C replaced by T.
Protein change: p.Asn37=; no amino-acid change (asparagine 37 retained).
Molecular consequence: synonymous variant.
Genome position (GRCh38, 1-based): chr17:61,859,890, G>A on the plus strand (C>T on the coding strand, the complement: BRIP1 is on the minus strand). VCF-style: chr17-61859890-G-A. GRCh37 (hg19) VCF-style: chr17-59937251-G-A.
Identifiers: ClinVar variation 1172223 (VCV001172223.5), dbSNP rs2145852604, ClinGen allele CA501151726.